The following is an entry in ClinVar:

NM_177438.3(DICER1):c.5066A>G (p.His1689Arg)

Gene: DICER1 (dicer 1, ribonuclease III; minus strand). Cytogenetic location: 14q32.13.
Variant type: single nucleotide variant.
Coding change: c.5066A>G on transcript NM_177438.3 (MANE Select); coding-DNA position 5066, A replaced by G.
Protein change: p.His1689Arg; replaces histidine 1689 with arginine.
Molecular consequence: missense variant. On other transcripts: non-coding transcript variant (6).
Genome position (GRCh38, 1-based): chr14:95,095,854, T>C on the plus strand (A>G on the coding strand, the complement: DICER1 is on the minus strand). VCF-style: chr14-95095854-T-C. GRCh37 (hg19) VCF-style: chr14-95562191-T-C.
Other names: c.5066A>G, p.His1689Arg (NM_001195573.1, NM_001271282.3, NM_001291628.2 and 12 more transcripts); c.4784A>G, p.His1595Arg (NM_001395686.1); c.4661A>G, p.His1554Arg (NM_001395687.1, NM_001395688.1, NM_001395689.1 and 2 more transcripts); c.4499A>G, p.His1500Arg (NM_001395691.1); c.3383A>G, p.His1128Arg (NM_001395697.1); short protein forms H1128R, H1689R, H1500R, H1554R, H1595R.
Identifiers: ClinVar variation 3840008 (VCV003840008.1).
Genomic context (GRCh38, chr14:95,095,854, plus strand): 5'-CAGAAATGAAGTCTGGTCGTGGGCTCCTTACCAGTGATAGTATTGTAGTGGTAGGAGGCA[T>C]GTGTAAAAGCCTGGAGAAGGTAAGCCTTATTCTTGAATCTGTAGTTGATTTTCTTTTCAA-3'
Protein context (NP_803187.1, residues 1679-1699): NKAYLLQAFT[His1689Arg]ASYHYNTITD

ClinVar aggregate classification (germline): Uncertain significance (1 of 4 stars; one submission).

Conditions:
Hereditary cancer-predisposing syndrome. Also called: Hereditary neoplastic syndrome; Neoplastic Syndromes, Hereditary; Tumor predisposition; Hereditary Cancer Syndrome. Identifiers: Orphanet 140162, MedGen C0027672, MeSH D009386, MONDO:0015356.

Submission:

Ambry Genetics
Classification: Uncertain significance for Hereditary cancer-predisposing syndrome. Last evaluated: 2025-01-17. Review status: criteria provided, single submitter. Criteria: Ambry Variant Classification Scheme 2023. Collection method: clinical testing. Allele origin: germline.
Comment: The p.H1689R variant (also known as c.5066A>G), located in coding exon 22 of the DICER1 gene, results from an A to G substitution at nucleotide position 5066. The histidine at codon 1689 is replaced by arginine, an amino acid with highly similar properties. This amino acid position is conserved. In addition, this alteration is predicted to be deleterious by in silico analysis. Based on the available evidence, the clinical significance of this variant remains unclear.